The following is an entry in ClinVar:

NM_000051.4(ATM):c.4766_4772del (p.Ser1589fs)

Gene: ATM (ATM serine/threonine kinase; plus strand). Cytogenetic location: 11q22.3.
Variant type: Deletion.
Coding change: c.4766_4772del on transcript NM_000051.4 (MANE Select); coding-DNA positions 4766 to 4772, 7 bases deleted (CACTCTT; older notation c.4766_4772delCACTCTT).
Protein change: p.Ser1589fs; shifts the reading frame from serine 1589.
Molecular consequence: frameshift variant.
Genome position (GRCh38, 1-based): chr11:108,293,467-108,293,473, CACTCTT deleted; deleting any 7 consecutive bases within chr11:108,293,465-108,293,473 gives the same sequence; the c. name uses the placement nearest the transcript's 3' end. VCF-style (leftmost placement, unchanged base first): chr11-108293464-TTTCACTC-T. GRCh37 (hg19) VCF-style: chr11-108164191-TTTCACTC-T.
Other names: c.4766_4772del, p.Ser1589fs (NM_001351834.2); short protein forms S1589fs.
Identifiers: ClinVar variation 2696088 (VCV002696088.3), dbSNP rs2546932467, ClinGen allele CA2697558848.
Genomic context (GRCh38, chr11:108,293,464, plus strand): 5'-ATGTTGTTTTTAAGGATTTGCGTATTACTCAGCAAAAAATCAAATACAGTAGAGGACCCT[TTTCACTC>T]TTGGAGGTAATAAAAATTTCATCATCTACTATTTTTTATTAGAGAACATAGTAGTACTTT-3'

ClinVar aggregate classification (germline): Pathogenic (1 of 4 stars; one submission).

Conditions:
Ataxia-telangiectasia syndrome (AT). Also called: Cerebello-oculocutaneous telangiectasia; Immunodeficiency with ataxia telangiectasia; Ataxia-telangiectasia, complementation group E; LOUIS-BAR SYNDROME; Ataxia telangiectasia (A-T); AT, COMPLEMENTATION GROUP C. Identifiers: Orphanet 100, MedGen C0004135, MONDO:0008840, OMIM 208900.

Submission:

Labcorp Genetics (formerly Invitae), Labcorp
Classification: Pathogenic for Ataxia-telangiectasia syndrome. Last evaluated: 2025-04-07. Review status: criteria provided, single submitter. Criteria: Invitae Variant Classification Sherloc (09022015). Collection method: clinical testing. Allele origin: germline.
Comment: This sequence change creates a premature translational stop signal (p.Ser1589Trpfs*10) in the ATM gene. It is expected to result in an absent or disrupted protein product. Loss-of-function variants in ATM are known to be pathogenic (PMID: 23807571, 25614872). This variant is not present in population databases (gnomAD no frequency). This variant has not been reported in the literature in individuals affected with ATM-related conditions. ClinVar contains an entry for this variant (Variation ID: 2696088). For these reasons, this variant has been classified as Pathogenic.

Literature cited by the submitters: PubMed 23807571; PubMed 25614872.